The following is an entry in ClinVar:

ClinVar aggregate classification (germline): Likely benign (1 of 4 stars; one submission).

Conditions:
Ataxia-telangiectasia syndrome (AT). Also called: ATAXIA-TELANGIECTASIA, COMPLEMENTATION GROUP A; ATAXIA-TELANGIECTASIA, FRESNO VARIANT; Ataxia-telangiectasia; Ataxia-telangiectasia, complementation group D; AT, COMPLEMENTATION GROUP C; Ataxia-telangiectasia, complementation group E. Identifiers: Orphanet 100, MedGen C0004135, MONDO:0008840, OMIM 208900.

Allele frequency attached by ClinVar (database versions not stated): gnomAD 0.00368 and 0.00343; 1000 Genomes Project 0.00479; gnomAD exomes 0.00067; 1000 Genomes Project 30x 0.00531; TOPMed 0.00393.
gnomAD v4.1: 557 of 204,632 alleles (0.27%); highest among the groups gnomAD compares: African/African-American, 1.2%; 5 homozygotes.

Submission:

Illumina Laboratory Services, Illumina
Classification: Likely benign for Ataxia-telangiectasia syndrome. Last evaluated: 2018-01-12. Review status: criteria provided, single submitter. Criteria: ICSL Variant Classification Criteria 13 December 2019. Collection method: clinical testing. Allele origin: germline.
Comment: This variant was observed in the ICSL laboratory as part of a predisposition screen in an ostensibly healthy population. It had not been previously curated by ICSL or reported in the Human Gene Mutation Database (HGMD: prior to June 1st, 2018), and was therefore a candidate for classification through an automated scoring system. Utilizing variant allele frequency, disease prevalence and penetrance estimates, and inheritance mode, an automated score was calculated to assess if this variant is too frequent to cause the disease. Based on the score and internal cut-off values, a variant classified as likely benign is not then subjected to further curation. The score for this variant resulted in a classification of likely benign for this disease.

NM_000051.4(ATM):c.*1974C>G

Genes: ATM (ATM serine/threonine kinase; plus strand), C11orf65 (chromosome 11 open reading frame 65; minus strand). Cytogenetic location: 11q22.3.
Variant type: single nucleotide variant.
Coding change: c.*1974C>G on transcript NM_000051.4 (MANE Select); 1974 bases downstream of the stop codon, C replaced by G.
Molecular consequence: 3 prime UTR variant. On other transcripts: intron variant (2).
Genome position (GRCh38, 1-based): chr11:108,367,482, C>G. VCF-style: chr11-108367482-C-G. GRCh37 (hg19) VCF-style: chr11-108238209-C-G.
Other names: c.*1974C>G (NM_001351834.2); c.640+18438G>C (NM_001330368.2); c.694+18438G>C (NM_001351110.2).
Identifiers: ClinVar variation 878101 (VCV000878101.6), dbSNP rs148781946, ClinGen allele CA228385882.